The following is an entry in ClinVar:

NM_000516.7(GNAS):c.1107T>A (p.Thr369=)

Gene: GNAS (GNAS complex locus; plus strand). Cytogenetic location: 20q13.32.
Variant type: single nucleotide variant.
Coding change: c.1107T>A on transcript NM_000516.7 (MANE Select); coding-DNA position 1107, T replaced by A.
Protein change: p.Thr369=; no amino-acid change (threonine 369 retained).
Molecular consequence: synonymous variant. On other transcripts: 3 prime UTR variant (2).
Genome position (GRCh38, 1-based): chr20:58,910,751, T>A. VCF-style: chr20-58910751-T-A. GRCh37 (hg19) VCF-style: chr20-57485806-T-A.
Other names: c.1110T>A, p.Thr370= (NM_001077488.5); c.1062T>A, p.Thr354= (NM_001077489.4); c.*968T>A (NM_001077490.3); c.930T>A, p.Thr310= (NM_001309840.2, NM_001309861.2); c.1011T>A, p.Thr337= (NM_001410912.1); c.2991T>A, p.Thr997= (NM_001410913.1); c.*1013T>A (NM_016592.5); c.3036T>A, p.Thr1012= (NM_080425.4); and 1 more.
Identifiers: ClinVar variation 3389858 (VCV003389858.14).

ClinVar aggregate classification (germline): Likely benign (1 of 4 stars; one submission).

gnomAD v4.1: 2 of 1,613,936 alleles (0.00012%); highest among the groups gnomAD compares: Non-Finnish European, 0.00017%; no homozygotes.

Submission:

CeGaT Center for Human Genetics Tuebingen
Classification: Likely benign. Last evaluated: 2024-10-01. Review status: criteria provided, single submitter. Criteria: CeGaT Center For Human Genetics Tuebingen Variant Classification Criteria Version 2. Collection method: clinical testing. Allele origin: germline. Affected: yes. Observed: 1 variant allele.
Comment: GNAS: BP4, BP7